The following is an entry in ClinVar:

ClinVar aggregate classification (germline): Pathogenic. Review status: criteria provided, multiple submitters, no conflicts (2 of 4 stars). 3 submissions from 3 submitters: Pathogenic (3). Last evaluated 2025-11-20.

Conditions:
Hereditary cancer-predisposing syndrome. Also called: Tumor predisposition; Neoplastic Syndromes, Hereditary; Hereditary Cancer Syndrome; Hereditary neoplastic syndrome. Identifiers: Orphanet 140162, MedGen C0027672, MeSH D009386, MONDO:0015356.
Familial cancer of breast. Also called: Hereditary breast cancer; BREAST CANCER, FAMILIAL; hereditary breast carcinoma. Identifiers: Orphanet 227535, MedGen C0346153, MONDO:0016419, OMIM 114480. Disease mechanism: loss of function.
Ataxia-telangiectasia syndrome (AT). Also called: ATAXIA-TELANGIECTASIA, COMPLEMENTATION GROUP A; ATAXIA-TELANGIECTASIA, FRESNO VARIANT; Ataxia-telangiectasia; Ataxia-telangiectasia, complementation group D; AT, COMPLEMENTATION GROUP C; Ataxia-telangiectasia, complementation group E. Identifiers: Orphanet 100, MedGen C0004135, MONDO:0008840, OMIM 208900.

Submissions (3):

Myriad Genetics, Inc.
Classification: Pathogenic for Familial cancer of breast. Last evaluated: 2025-11-20. Review status: criteria provided, single submitter. Criteria: Myriad Autosomal Dominant, Autosomal Recessive and X-Linked Classification Criteria (2023). Collection method: clinical testing. Allele origin: unknown.
Comment: This variant is considered pathogenic. This variant creates a frameshift predicted to result in premature protein truncation.

Ambry Genetics
Classification: Pathogenic for Hereditary cancer-predisposing syndrome. Last evaluated: 2022-01-05. Review status: criteria provided, single submitter. Criteria: Ambry Variant Classification Scheme 2023. Collection method: clinical testing. Allele origin: germline.
Comment: The c.6164_6165delTC pathogenic mutation, located in coding exon 41 of the ATM gene, results from a deletion of two nucleotides at nucleotide positions 6164 to 6165, causing a translational frameshift with a predicted alternate stop codon (p.I2055Tfs*32). This variant is considered to be rare based on population cohorts in the Genome Aggregation Database (gnomAD). This alteration is expected to result in loss of function by premature protein truncation or nonsense-mediated mRNA decay. As such, this alteration is interpreted as a disease-causing mutation.

Labcorp Genetics (formerly Invitae), Labcorp
Classification: Pathogenic for Ataxia-telangiectasia syndrome. Last evaluated: 2019-02-18. Review status: criteria provided, single submitter. Criteria: Invitae Variant Classification Sherloc (09022015). Collection method: clinical testing. Allele origin: germline.
Comment: For these reasons, this variant has been classified as Pathogenic. Loss-of-function variants in ATM are known to be pathogenic (PMID: 23807571, 25614872). This variant has not been reported in the literature in individuals with ATM-related conditions. This variant is not present in population databases (ExAC no frequency). This sequence change creates a premature translational stop signal (p.Ile2055Thrfs*32) in the ATM gene. It is expected to result in an absent or disrupted protein product.

Literature cited by the submitters: PubMed 23807571 (cited by Labcorp Genetics (formerly Invitae), Labcorp); PubMed 25614872 (cited by Labcorp Genetics (formerly Invitae), Labcorp).

NM_000051.4(ATM):c.6164_6165del (p.Ile2055fs)

Genes: ATM (ATM serine/threonine kinase; plus strand), C11orf65 (chromosome 11 open reading frame 65; minus strand). Cytogenetic location: 11q22.3.
Variant type: Deletion.
Coding change: c.6164_6165del on transcript NM_000051.4 (MANE Select); coding-DNA positions 6164 to 6165, 2 bases deleted (TC; older notation c.6164_6165delTC).
Protein change: p.Ile2055fs; shifts the reading frame from isoleucine 2055.
Molecular consequence: frameshift variant. On other transcripts: intron variant (2).
Genome position (GRCh38, 1-based): chr11:108,316,079-108,316,080, TC deleted. VCF-style (leftmost placement, unchanged base first): chr11-108316078-ATC-A. GRCh37 (hg19) VCF-style: chr11-108186805-ATC-A.
Other names: c.641-7009_641-7008del (NM_001330368.2); c.*39-7009_*39-7008del (NM_001351110.2); c.6164_6165delTC, p.Ile2055Thrfs (NM_000051.3); c.6164_6165del, p.Ile2055fs (NM_001351834.2); short protein forms I2055fs.
Identifiers: ClinVar variation 849298 (VCV000849298.11), dbSNP rs2084621452, ClinGen allele CA916080456.